The following is an entry in ClinVar:

ClinVar aggregate classification (germline): Uncertain significance. Review status: criteria provided, multiple submitters, no conflicts (2 of 4 stars). 2 submissions from 2 submitters: Uncertain significance (2). Last evaluated 2022-08-21.

gnomAD v4.1: 1 of 1,611,638 alleles (0.000062%); highest among the groups gnomAD compares: Non-Finnish European, 0.000085%; no homozygotes.

Submissions (2):

Labcorp Genetics (formerly Invitae), Labcorp
Classification: Uncertain significance. Last evaluated: 2022-08-21. Review status: criteria provided, single submitter. Criteria: Invitae Variant Classification Sherloc (09022015). Collection method: clinical testing. Allele origin: germline.
Comment: This sequence change replaces aspartic acid, which is acidic and polar, with tyrosine, which is neutral and polar, at codon 4394 of the ADGRV1 protein (p.Asp4394Tyr). This variant is not present in population databases (gnomAD no frequency). This variant has not been reported in the literature in individuals affected with ADGRV1-related conditions. Algorithms developed to predict the effect of missense changes on protein structure and function are either unavailable or do not agree on the potential impact of this missense change (SIFT: "Deleterious"; PolyPhen-2: "Probably Damaging"; Align-GVGD: "Class C0"). In summary, the available evidence is currently insufficient to determine the role of this variant in disease. Therefore, it has been classified as a Variant of Uncertain Significance.

Blueprint Genetics
Classification: Uncertain significance. Last evaluated: 2022-04-30. Review status: criteria provided, single submitter. Criteria: ACMG Guidelines, 2015. Collection method: clinical testing. Allele origin: germline.

NM_032119.4(ADGRV1):c.13180G>T (p.Asp4394Tyr)

Gene: ADGRV1 (adhesion G protein-coupled receptor V1; plus strand). Cytogenetic location: 5q14.3.
Variant type: single nucleotide variant.
Coding change: c.13180G>T on transcript NM_032119.4 (MANE Select); coding-DNA position 13180, G replaced by T.
Protein change: p.Asp4394Tyr; replaces aspartic acid 4394 with tyrosine.
Molecular consequence: missense variant. On other transcripts: non-coding transcript variant (1).
Genome position (GRCh38, 1-based): chr5:90,781,527, G>T. VCF-style: chr5-90781527-G-T. GRCh37 (hg19) VCF-style: chr5-90077344-G-T.
Other names: short protein forms D4394Y.
Identifiers: ClinVar variation 1954363 (VCV001954363.3), dbSNP rs2531902532, ClinGen allele CA360391996.